The following is an entry in ClinVar:

ClinVar aggregate classification (germline): Uncertain significance (1 of 4 stars; one submission).

Submission:

Labcorp Genetics (formerly Invitae), Labcorp
Classification: Uncertain significance. Last evaluated: 2025-11-23. Review status: criteria provided, single submitter. Criteria: Invitae Variant Classification Sherloc (09022015). Collection method: clinical testing. Allele origin: germline.
Comment: This sequence change replaces valine, which is neutral and non-polar, with alanine, which is neutral and non-polar, at codon 539 of the NFKB1 protein (p.Val539Ala). This variant is present in population databases (rs765191169, gnomAD 0.003%). This variant has not been reported in the literature in individuals affected with NFKB1-related conditions. ClinVar contains an entry for this variant (Variation ID: 3672816). An algorithm developed to predict the effect of missense changes on protein structure and function (PolyPhen-2) suggests that this variant is likely to be tolerated. In summary, the available evidence is currently insufficient to determine the role of this variant in disease. Therefore, it has been classified as a Variant of Uncertain Significance.

NM_003998.4(NFKB1):c.1616T>C (p.Val539Ala)

Gene: NFKB1 (nuclear factor kappa B subunit 1; plus strand). Cytogenetic location: 4q24.
Variant type: single nucleotide variant.
Coding change: c.1616T>C on transcript NM_003998.4 (MANE Select); coding-DNA position 1616, T replaced by C.
Protein change: p.Val539Ala; replaces valine 539 with alanine.
Molecular consequence: missense variant.
Genome position (GRCh38, 1-based): chr4:102,597,640, T>C. VCF-style: chr4-102597640-T-C. GRCh37 (hg19) VCF-style: chr4-103518797-T-C.
Other names: c.1613T>C, p.Val538Ala (NM_001165412.2, NM_001319226.2, NM_001382627.1); c.1616T>C, p.Val539Ala (NM_001382625.1, NM_001382626.1); c.1574T>C, p.Val525Ala (NM_001382628.1); short protein forms V538A, V525A, V539A.
Identifiers: ClinVar variation 3672816 (VCV003672816.2).